The following is an entry in ClinVar:

ClinVar aggregate classification (germline): Conflicting classifications of pathogenicity. Review status: criteria provided, conflicting classifications (1 of 4 stars). 5 submissions from 5 submitters: Uncertain significance (4); Likely benign (1). Last evaluated 2020-09-08.

Conditions:
Dilated cardiomyopathy 1G (CMD1G). Identifiers: Orphanet 154, MedGen C1858763, MONDO:0011400, OMIM 604145.
Autosomal recessive limb-girdle muscular dystrophy type 2J (LGMDR10). Also called: Limb-girdle muscular dystrophy, type 2J; MUSCULAR DYSTROPHY, LIMB-GIRDLE, AUTOSOMAL RECESSIVE 10. Identifiers: Orphanet 140922, MedGen C1837342, MONDO:0012127, OMIM 608807.
Cardiovascular phenotype. Identifiers: MedGen CN230736.

Allele frequency attached by ClinVar (database versions not stated): gnomAD exomes 0.00004 and 0.00007; ExAC 0.00005; TOPMed 0.00003; gnomAD 0.00004.
gnomAD v4.1: 116 of 1,612,210 alleles (0.0072%); highest among the groups gnomAD compares: Non-Finnish European, 0.0091%; no homozygotes.

Submissions (5):

Revvity Omics, Revvity
Classification: Uncertain significance. Last evaluated: 2020-09-08. Review status: criteria provided, single submitter. Criteria: ACMG Guidelines, 2015. Collection method: clinical testing. Allele origin: germline.

GeneDx
Classification: Likely benign. Last evaluated: 2020-05-19. Review status: criteria provided, single submitter. Criteria: GeneDx Variant Classification Process June 2021. Collection method: clinical testing. Allele origin: germline. Affected: yes.

Mayo Clinic Laboratories, Mayo Clinic
Classification: Uncertain significance. Last evaluated: 2019-09-16. Review status: criteria provided, single submitter. Criteria: ACMG Guidelines, 2015. Collection method: clinical testing. Allele origin: germline. Observed: 1 variant allele.

Labcorp Genetics (formerly Invitae), Labcorp
Classification: Uncertain significance for Dilated cardiomyopathy 1G; Autosomal recessive limb-girdle muscular dystrophy type 2J. Last evaluated: 2017-10-20. Review status: criteria provided, single submitter. Criteria: Invitae Variant Classification Sherloc (09022015). Collection method: clinical testing. Allele origin: germline.

Ambry Genetics
Classification: Uncertain significance for Cardiovascular phenotype. Last evaluated: 2013-07-26. Review status: criteria provided, single submitter. Criteria: Ambry Autosomal Dominant and X-Linked criteria (10/2015). Collection method: clinical testing. Allele origin: germline. Observed: 1 variant allele.
Comment: The p.D15471N variant (also known as c.46411G>A) is located in coding exon 228 of theTTNgene. This alteration results from a G to A substitution at nucleotide position 46411. The aspartic acid at codon 15471 is replaced by asparagine, an amino acid with highly similar properties. This variant was not reported in population-based cohorts in the following databases: Database of Single Nucleotide Polymorphisms (dbSNP), the 1000 Genomes Project and the NHLBI Exome Sequencing Project (ESP). In the ESP, this variant was not observed in 6053 samples (12106 alleles) with coverage at this position. Based on protein sequence alignment, this amino acid position is highly conserved in available vertebrate species. In addition, this alteration is predicted to be probably damaging by PolyPhen, yet tolerated by SIFT in silico analyses. Since supporting evidence is limited at this time, the clinical significance of this variant remains unclear.

NM_001267550.2(TTN):c.54115G>A (p.Asp18039Asn)

Genes: TTN (titin; minus strand), TTN-AS1 (TTN antisense RNA 1; plus strand). Cytogenetic location: 2q31.2.
Variant type: single nucleotide variant.
Coding change: c.54115G>A on transcript NM_001267550.2 (MANE Select); coding-DNA position 54115, G replaced by A.
Protein change: p.Asp18039Asn; replaces aspartic acid 18039 with asparagine.
Molecular consequence: missense variant. On other transcripts: non-coding transcript variant (1).
Genome position (GRCh38, 1-based): chr2:178,605,062, C>T on the plus strand (G>A on the coding strand, the complement: TTN is on the minus strand). VCF-style: chr2-178605062-C-T. GRCh37 (hg19) VCF-style: chr2-179469789-C-T.
Other names: c.49192G>A, p.Asp16398Asn (NM_001256850.1); c.26920G>A, p.Asp8974Asn (NM_003319.4); c.46411G>A, p.Asp15471Asn (NM_133378.4); c.27295G>A, p.Asp9099Asn (NM_133432.3); c.27496G>A, p.Asp9166Asn (NM_133437.4); short protein forms D15471N, D18039N, D16398N, D8974N, D9099N, D9166N.
Identifiers: ClinVar variation 263669 (VCV000263669.16), dbSNP rs765148928, ClinGen allele CA1993694.